The following is an entry in ClinVar:

ClinVar aggregate classification (germline): Uncertain significance (1 of 4 stars; one submission).

Conditions:
Familial adenomatous polyposis 1 (FAP1). Also called: FAMILIAL ADENOMATOUS POLYPOSIS 1, ATTENUATED; POLYPOSIS, ADENOMATOUS INTESTINAL. Identifiers: MedGen C2713442, MONDO:0021056, OMIM 175100. Disease mechanism: loss of function.

Allele frequency attached by ClinVar (database versions not stated): TOPMed below 0.00001.
gnomAD v4.1: 1 of 879,152 alleles (0.00011%); highest among the groups gnomAD compares: African/African-American, 0.0017%; no homozygotes.

Submission:

Labcorp Genetics (formerly Invitae), Labcorp
Classification: Uncertain significance for Familial adenomatous polyposis 1. Last evaluated: 2023-03-04. Review status: criteria provided, single submitter. Criteria: Invitae Variant Classification Sherloc (09022015). Collection method: clinical testing. Allele origin: germline.
Comment: In summary, the available evidence is currently insufficient to determine the role of this variant in disease. Therefore, it has been classified as a Variant of Uncertain Significance. Experimental studies and prediction algorithms are not available or were not evaluated, and the functional significance of this variant is currently unknown. This variant has not been reported in the literature in individuals affected with APC-related conditions. This variant is not present in population databases (gnomAD no frequency). This variant occurs in a non-coding region of the APC gene. It does not change the encoded amino acid sequence of the APC protein.

NM_001127511.3(APC):c.-141C>T

Gene: APC (APC regulator of Wnt signaling pathway; plus strand). Cytogenetic location: 5q22.2.
Variant type: single nucleotide variant.
Coding change: c.-141C>T on transcript NM_001127511.3; 141 bases upstream of the start codon, C replaced by T.
Molecular consequence: 5 prime UTR variant. On other transcripts: non-coding transcript variant (2).
Genome position (GRCh38, 1-based): chr5:112,707,577, C>T. VCF-style: chr5-112707577-C-T. GRCh37 (hg19) VCF-style: chr5-112043274-C-T.
Other names: c.-324C>T (NM_001354895.2, NM_001407447.1, NM_001407452.1 and 3 more transcripts); c.-141C>T (NM_001354897.2, NM_001354902.2, NM_001407446.1); c.-91C>T (NM_001407448.1, NM_001407450.1, NM_001407457.1 and 1 more transcripts); c.-115C>T (NM_001407453.1); c.-1359C>T (NM_001407470.1, NM_001407472.1).
Identifiers: ClinVar variation 1017997 (VCV001017997.9), dbSNP rs1750579738, ClinGen allele CA1573442474.
Genomic context (GRCh38, chr5:112,707,577, plus strand): 5'-TCCCACAAGATGGCGGAGGGCAAGTAGCAAGGGGGCGGGGTGTGGCCGCCGGAAGCCTAG[C>T]CGCTGCTCGGGGGGGACCTGCGGGCTCAGGCCCGGGAGCTGCGGACCGAGGTTGGCTCGA-3'